The following is an entry in ClinVar:

ClinVar aggregate classification (germline): Uncertain significance (1 of 4 stars; one submission).

Conditions:
Oligodontia-cancer predisposition syndrome. Also called: TOOTH AGENESIS-COLORECTAL CANCER SYNDROME. Identifiers: Orphanet 300576, MedGen C1837750, MONDO:0012075, OMIM 608615. Disease mechanism: loss of function.

Submission:

Labcorp Genetics (formerly Invitae), Labcorp
Classification: Uncertain significance for Oligodontia-cancer predisposition syndrome. Last evaluated: 2022-02-04. Review status: criteria provided, single submitter. Criteria: Invitae Variant Classification Sherloc (09022015). Collection method: clinical testing. Allele origin: germline.
Comment: This sequence change replaces aspartic acid, which is acidic and polar, with asparagine, which is neutral and polar, at codon 682 of the AXIN2 protein (p.Asp682Asn). This variant is not present in population databases (gnomAD no frequency). This variant has not been reported in the literature in individuals affected with AXIN2-related conditions. Algorithms developed to predict the effect of missense changes on protein structure and function are either unavailable or do not agree on the potential impact of this missense change (SIFT: "Tolerated"; PolyPhen-2: "Probably Damaging"; Align-GVGD: "Class C0"). In summary, the available evidence is currently insufficient to determine the role of this variant in disease. Therefore, it has been classified as a Variant of Uncertain Significance.

NM_004655.4(AXIN2):c.2044G>A (p.Asp682Asn)

Gene: AXIN2 (axin 2; minus strand). Cytogenetic location: 17q24.1.
Variant type: single nucleotide variant.
Coding change: c.2044G>A on transcript NM_004655.4 (MANE Select); coding-DNA position 2044, G replaced by A.
Protein change: p.Asp682Asn; replaces aspartic acid 682 with asparagine.
Molecular consequence: missense variant.
Genome position (GRCh38, 1-based): chr17:65,536,417, C>T on the plus strand (G>A on the coding strand, the complement: AXIN2 is on the minus strand). VCF-style: chr17-65536417-C-T. GRCh37 (hg19) VCF-style: chr17-63532535-C-T.
Other names: c.1849G>A, p.Asp617Asn (NM_001363813.1); short protein forms D682N, D617N.
Identifiers: ClinVar variation 1503122 (VCV001503122.8), dbSNP rs1555577097, ClinGen allele CA400676101.